The following is an entry in ClinVar:

ClinVar aggregate classification (germline): Likely benign (1 of 4 stars; one submission).

gnomAD v4.1: 44 of 1,614,084 alleles (0.0027%); highest among the groups gnomAD compares: Admixed American, 0.01%; no homozygotes.

Submission:

CeGaT Center for Human Genetics Tuebingen
Classification: Likely benign. Last evaluated: 2026-08-01. Review status: criteria provided, single submitter. Criteria: CeGaT Center For Human Genetics Tuebingen Variant Classification Criteria Version 2. Collection method: clinical testing. Allele origin: germline. Affected: yes. Observed: 1 variant allele.
Comment: SLC5A6: BP4, BP7

NM_021095.4(SLC5A6):c.246C>T (p.Ala82=)

Gene: SLC5A6 (solute carrier family 5 member 6; minus strand). Cytogenetic location: 2p23.3.
Variant type: single nucleotide variant.
Coding change: c.246C>T on transcript NM_021095.4 (MANE Select); coding-DNA position 246, C replaced by T.
Protein change: p.Ala82=; no amino-acid change (alanine 82 retained).
Molecular consequence: synonymous variant. On other transcripts: non-coding transcript variant (1).
Genome position (GRCh38, 1-based): chr2:27,207,405, G>A on the plus strand (C>T on the coding strand, the complement: SLC5A6 is on the minus strand). VCF-style: chr2-27207405-G-A. GRCh37 (hg19) VCF-style: chr2-27430273-G-A.
Identifiers: ClinVar variation 5038631 (VCV005038631.1).